The following is an entry in ClinVar:

NM_000535.7(PMS2):c.289G>T (p.Asp97Tyr)

Gene: PMS2 (PMS1 homolog 2, mismatch repair system component; minus strand). Cytogenetic location: 7p22.1.
Variant type: single nucleotide variant.
Coding change: c.289G>T on transcript NM_000535.7 (MANE Select); coding-DNA position 289, G replaced by T.
Protein change: p.Asp97Tyr; replaces aspartic acid 97 with tyrosine.
Molecular consequence: missense variant. On other transcripts: 5 prime UTR variant (9), non-coding transcript variant (1), intron variant (2).
Genome position (GRCh38, 1-based): chr7:6,003,754, C>A on the plus strand (G>T on the coding strand, the complement: PMS2 is on the minus strand). VCF-style: chr7-6003754-C-A. GRCh37 (hg19) VCF-style: chr7-6043385-C-A.
Other names: c.-117G>T (NM_001322003.2, NM_001322004.2, NM_001322005.2 and 3 more transcripts); c.289G>T, p.Asp97Tyr (NM_001322006.2, NM_001322014.2); c.-596G>T (NM_001322011.2, NM_001322012.2); c.-196G>T (NM_001322015.2); c.35+218G>T (NM_001322008.2, NM_001322007.2); short protein forms D97Y.
Identifiers: ClinVar variation 1383924 (VCV001383924.9), dbSNP rs1395998044, ClinGen allele CA366744648.

ClinVar aggregate classification (germline): Uncertain significance. Review status: criteria provided, multiple submitters, no conflicts (2 of 4 stars). 2 submissions from 2 submitters: Uncertain significance (2). Last evaluated 2022-04-20.

Conditions:
Hereditary nonpolyposis colorectal neoplasms. Identifiers: MedGen C0009405, MeSH D003123.
Lynch syndrome. Identifiers: Orphanet 144, MedGen C4552100, MONDO:0005835. Disease mechanism: loss of function.

Submissions (2):

Department of Pathology and Laboratory Medicine, Sinai Health System
Classification: Uncertain significance for Lynch syndrome. Last evaluated: 2022-04-20. Review status: criteria provided, single submitter. Criteria: ACMG Guidelines, 2015. Collection method: clinical testing. Allele origin: germline. Affected: yes.

Labcorp Genetics (formerly Invitae), Labcorp
Classification: Uncertain significance for Hereditary nonpolyposis colorectal neoplasms. Last evaluated: 2022-01-17. Review status: criteria provided, single submitter. Criteria: Invitae Variant Classification Sherloc (09022015). Collection method: clinical testing. Allele origin: germline.
Comment: In summary, the available evidence is currently insufficient to determine the role of this variant in disease. Therefore, it has been classified as a Variant of Uncertain Significance. Advanced modeling of protein sequence and biophysical properties (such as structural, functional, and spatial information, amino acid conservation, physicochemical variation, residue mobility, and thermodynamic stability) performed at Invitae indicates that this missense variant is expected to disrupt PMS2 protein function. This variant has not been reported in the literature in individuals affected with PMS2-related conditions. This variant is not present in population databases (gnomAD no frequency). This sequence change replaces aspartic acid, which is acidic and polar, with tyrosine, which is neutral and polar, at codon 97 of the PMS2 protein (p.Asp97Tyr).